The following is an entry in ClinVar:

ClinVar aggregate classification (germline): Uncertain significance (1 of 4 stars; one submission).

Allele frequency attached by ClinVar (database versions not stated): gnomAD 0.00001; gnomAD exomes 0.00001 and 0.00002; ExAC 0.00002; TOPMed 0.00005; ESP Exome Variant Server 0.00008.
gnomAD v4.1: 31 of 1,581,330 alleles (0.002%); highest among the groups gnomAD compares: Middle Eastern, 0.017%; no homozygotes.

Submission:

Labcorp Genetics (formerly Invitae), Labcorp
Classification: Uncertain significance. Last evaluated: 2024-01-22. Review status: criteria provided, single submitter. Criteria: Invitae Variant Classification Sherloc (09022015). Collection method: clinical testing. Allele origin: germline.
Comment: This sequence change replaces arginine, which is basic and polar, with tryptophan, which is neutral and slightly polar, at codon 656 of the C6 protein (p.Arg656Trp). This variant is present in population databases (rs147459672, gnomAD 0.006%). This variant has not been reported in the literature in individuals affected with C6-related conditions. ClinVar contains an entry for this variant (Variation ID: 1515645). Algorithms developed to predict the effect of missense changes on protein structure and function output the following: SIFT: "Not Available"; PolyPhen-2: "Benign"; Align-GVGD: "Not Available". The tryptophan amino acid residue is found in multiple mammalian species, which suggests that this missense change does not adversely affect protein function. In summary, the available evidence is currently insufficient to determine the role of this variant in disease. Therefore, it has been classified as a Variant of Uncertain Significance.

NM_000065.5(C6):c.1966C>T (p.Arg656Trp)

Gene: C6 (complement C6; minus strand). Cytogenetic location: 5p13.1.
Variant type: single nucleotide variant.
Coding change: c.1966C>T on transcript NM_000065.5 (MANE Select); coding-DNA position 1966, C replaced by T.
Protein change: p.Arg656Trp; replaces arginine 656 with tryptophan.
Molecular consequence: missense variant.
Genome position (GRCh38, 1-based): chr5:41,158,676, G>A on the plus strand (C>T on the coding strand, the complement: C6 is on the minus strand). VCF-style: chr5-41158676-G-A. GRCh37 (hg19) VCF-style: chr5-41158778-G-A.
Other names: c.1966C>T, p.Arg656Trp (NM_001115131.4); short protein forms R656W.
Identifiers: ClinVar variation 1515645 (VCV001515645.5), dbSNP rs147459672, ClinGen allele CA3252265.